The following is an entry in ClinVar:

NM_001177701.3(IFT27):c.415C>T (p.Arg139Trp)

Genes: CACNG2-DT (CACNG2 divergent transcript; plus strand), IFT27 (intraflagellar transport 27; minus strand). Cytogenetic location: 22q12.3.
Variant type: single nucleotide variant.
Coding change: c.415C>T on transcript NM_001177701.3 (MANE Select); coding-DNA position 415, C replaced by T.
Protein change: p.Arg139Trp; replaces arginine 139 with tryptophan.
Molecular consequence: missense variant.
Genome position (GRCh38, 1-based): chr22:36,762,951, G>A on the plus strand (C>T on the coding strand, the complement: IFT27 is on the minus strand). VCF-style: chr22-36762951-G-A. GRCh37 (hg19) VCF-style: chr22-37158995-G-A.
Other names: p.Arg138Trp; c.415C>T, p.Arg139Trp (NM_001363003.2); c.412C>T, p.Arg138Trp (NM_006860.5); short protein forms R139W, R138W.
Identifiers: ClinVar variation 377288 (VCV000377288.14), dbSNP rs112218090, ClinGen allele CA10212351.
Genomic context (GRCh38, chr22:36,762,951, plus strand): 5'-TGGAAATACTCACCACGGATGTTTCAAAACATTCCAGGCCCTGGCCCAGCGCCCATGCCC[G>A]GGCCTCAGCTGAGTCCACTGCTCGTCTGCCGGCCAGGTCTGTCTTGTTCCCAACTAAAAC-3'
Protein context (NP_001171172.1, residues 129-149): GRRAVDSAEA[Arg139Trp]AWALGQGLEC

ClinVar aggregate classification (germline): Benign. Review status: criteria provided, multiple submitters, no conflicts (2 of 4 stars). 4 submissions from 4 submitters: Benign (4). Last evaluated 2026-02-03.

Allele frequency attached by ClinVar (database versions not stated): gnomAD exomes 0.00213; ExAC 0.00280; gnomAD 0.00835 and 0.00881; TOPMed 0.00948; ESP Exome Variant Server 0.00961; 1000 Genomes Project 0.01118; 1000 Genomes Project 30x 0.01202.
gnomAD v4.1: 2,562 of 1,598,246 alleles (0.16%); highest among the groups gnomAD compares: African/African-American, 2.8%; 39 homozygotes.

Submissions (4):

Labcorp Genetics (formerly Invitae), Labcorp
Classification: Benign. Last evaluated: 2026-02-03. Review status: criteria provided, single submitter. Criteria: Invitae Variant Classification Sherloc (09022015). Collection method: clinical testing. Allele origin: germline.

Mayo Clinic Laboratories, Mayo Clinic
Classification: Benign. Last evaluated: 2023-06-12. Review status: criteria provided, single submitter. Criteria: ACMG Guidelines, 2015. Collection method: clinical testing. Allele origin: germline. Observed: 2 variant alleles.
Comment: BS1, BS2

Center for Pediatric Genomic Medicine, Children's Mercy Hospital and Clinics
Classification: Benign. Last evaluated: 2016-12-30. Review status: criteria provided, single submitter. Criteria: ACMG Guidelines, 2015. Collection method: clinical testing. Allele origin: germline.

Breakthrough Genomics
Classification: Benign. Review status: criteria provided, single submitter. Criteria: ACMG Guidelines, 2015. Collection method: not provided. Allele origin: germline. Inheritance: Autosomal recessive inheritance. Affected: yes.